The following is an entry in ClinVar:

NM_001035.3(RYR2):c.13409A>G (p.Tyr4470Cys)

Gene: RYR2 (ryanodine receptor 2; plus strand). Cytogenetic location: 1q43.
Variant type: single nucleotide variant.
Coding change: c.13409A>G on transcript NM_001035.3 (MANE Select); coding-DNA position 13409, A replaced by G.
Protein change: p.Tyr4470Cys; replaces tyrosine 4470 with cysteine.
Molecular consequence: missense variant.
Genome position (GRCh38, 1-based): chr1:237,788,068, A>G. VCF-style: chr1-237788068-A-G. GRCh37 (hg19) VCF-style: chr1-237951368-A-G.
Other names: short protein forms Y4470C.
Identifiers: ClinVar variation 4800124 (VCV004800124.1).

ClinVar aggregate classification (germline): Uncertain significance (1 of 4 stars; one submission).

Conditions:
Catecholaminergic polymorphic ventricular tachycardia 1. Also called: VENTRICULAR TACHYCARDIA, STRESS-INDUCED POLYMORPHIC 1; RYR2-Related Catecholaminergic Polymorphic Ventricular Tachycardia; VENTRICULAR TACHYCARDIA, CATECHOLAMINERGIC POLYMORPHIC, 1, WITH OR WITHOUT ATRIAL DYSFUNCTION AND/OR DILATED CARDIOMYOPATHY. Identifiers: Orphanet 3286, MedGen C1631597, MONDO:0011484, OMIM 604772.

gnomAD v4.1: 1 of 1,612,434 alleles (0.000062%); highest among the groups gnomAD compares: South Asian, 0.0011%; no homozygotes.

Submission:

Labcorp Genetics (formerly Invitae), Labcorp
Classification: Uncertain significance for Catecholaminergic polymorphic ventricular tachycardia 1. Last evaluated: 2025-03-23. Review status: criteria provided, single submitter. Criteria: Invitae Variant Classification Sherloc (09022015). Collection method: clinical testing. Allele origin: germline.
Comment: This sequence change replaces tyrosine, which is neutral and polar, with cysteine, which is neutral and slightly polar, at codon 4470 of the RYR2 protein (p.Tyr4470Cys). The frequency data for this variant in the population databases is considered unreliable, as metrics indicate poor data quality at this position in the gnomAD database. This variant has not been reported in the literature in individuals affected with RYR2-related conditions. Invitae Evidence Modeling of protein sequence and biophysical properties (such as structural, functional, and spatial information, amino acid conservation, physicochemical variation, residue mobility, and thermodynamic stability) indicates that this missense variant is not expected to disrupt RYR2 protein function with a negative predictive value of 95%. In summary, the available evidence is currently insufficient to determine the role of this variant in disease. Therefore, it has been classified as a Variant of Uncertain Significance.